The following is an entry in ClinVar:

ClinVar aggregate classification (germline): Pathogenic/Likely pathogenic. Review status: criteria provided, multiple submitters, no conflicts (2 of 4 stars). 3 submissions from 3 submitters: Pathogenic (2); Likely pathogenic (1). Last evaluated 2025-02-27.

Conditions:
Zellweger spectrum disorders (ZS). Also called: Zellweger Spectrum Disorder; Zellweger Spectrum; Zellweger syndrome; Zellweger Spectrum Disorder (ZSD). Identifiers: Orphanet 912, MedGen C0043459, MONDO:0019609.
Peroxisome biogenesis disorder. Identifiers: Orphanet 79189, MedGen C1832200, MONDO:0019234. Disease mechanism: loss of function.

Submissions (3):

Natera, Inc.
Classification: Likely pathogenic for Zellweger syndrome. Last evaluated: 2025-02-27. Review status: criteria provided, single submitter. Criteria: Natera Variant Classification Schema (03/2026). Collection method: clinical testing. Allele origin: germline.
Comment: The c.130-2A>G variant in PEX1 is a canonical splice acceptor site variant predicted to affect pre-mRNA splicing, which may result in an abnormal transcript and altered protein product. This variant may result in a truncated or dysfunctional protein product. This variant is rare in the general population with a frequency below the threshold expected for the associated phenotype(s). This variant has been observed in one or more individuals affected with the associated recessive disease, as either homozygous or compound heterozygous with a second variant (PMID: 31319225, 27882258). Additionally, this variant has been observed to segregate in affected family members (PMID: 31319225). Given the available evidence, this variant is classified as Likely Pathogenic.

CeGaT Center for Human Genetics Tuebingen
Classification: Pathogenic. Last evaluated: 2023-04-01. Review status: criteria provided, single submitter. Criteria: CeGaT Center For Human Genetics Tuebingen Variant Classification Criteria Version 2. Collection method: clinical testing. Allele origin: germline. Affected: yes. Observed: 2 variant alleles.
Comment: PEX1: PVS1, PM3:Strong, PM2, PP4

Ege University Pediatric Genetics, Ege University
Classification: Pathogenic for Peroxisome biogenesis disorder. Last evaluated: 2019-05-15. Review status: criteria provided, single submitter. Criteria: ACMG Guidelines, 2015. Collection method: clinical testing. Allele origin: germline. Affected: yes.

Literature cited by the submitters: PubMed 31319225 (cited by Natera, Inc. and Ege University Pediatric Genetics, Ege University); PubMed 27882258 (cited by Natera, Inc.).

NM_000466.3(PEX1):c.130-2A>G

Gene: PEX1 (peroxisomal biogenesis factor 1; minus strand). Cytogenetic location: 7q21.2.
Variant type: single nucleotide variant.
Coding change: c.130-2A>G on transcript NM_000466.3 (MANE Select); the canonical splice acceptor site of the intron before coding-DNA position 130, A replaced by G.
Molecular consequence: splice acceptor variant.
Genome position (GRCh38, 1-based): chr7:92,522,247, T>C on the plus strand (A>G on the coding strand, the complement: PEX1 is on the minus strand). VCF-style: chr7-92522247-T-C. GRCh37 (hg19) VCF-style: chr7-92151561-T-C.
Other names: c.130-2A>G (NM_001282677.2); c.-530-2A>G (NM_001282678.2).
Identifiers: ClinVar variation 635303 (VCV000635303.43), dbSNP rs1585260993, ClinGen allele CA368205303.